The following is an entry in ClinVar:

ClinVar aggregate classification (germline): Uncertain significance. Review status: criteria provided, multiple submitters, no conflicts (2 of 4 stars). 2 submissions from 2 submitters: Uncertain significance (2). Last evaluated 2024-07-01.

Conditions:
Hereditary cancer-predisposing syndrome. Also called: Hereditary neoplastic syndrome; Hereditary Cancer Syndrome; Neoplastic Syndromes, Hereditary; Tumor predisposition. Identifiers: Orphanet 140162, MedGen C0027672, MeSH D009386, MONDO:0015356.
Renal cell carcinoma. Identifiers: Orphanet 217071, MedGen C0007134, MeSH D002292, MONDO:0005086, HP:0005584.

Submissions (2):

Labcorp Genetics (formerly Invitae), Labcorp
Classification: Uncertain significance for Renal cell carcinoma. Last evaluated: 2024-07-01. Review status: criteria provided, single submitter. Criteria: Invitae Variant Classification Sherloc (09022015). Collection method: clinical testing. Allele origin: germline.
Comment: This sequence change replaces arginine, which is basic and polar, with glycine, which is neutral and non-polar, at codon 277 of the MET protein (p.Arg277Gly). This variant is not present in population databases (gnomAD no frequency). This variant has not been reported in the literature in individuals affected with MET-related conditions. ClinVar contains an entry for this variant (Variation ID: 2567693). Advanced modeling of protein sequence and biophysical properties (such as structural, functional, and spatial information, amino acid conservation, physicochemical variation, residue mobility, and thermodynamic stability) performed at Invitae indicates that this missense variant is expected to disrupt MET protein function with a positive predictive value of 80%. In summary, the available evidence is currently insufficient to determine the role of this variant in disease. Therefore, it has been classified as a Variant of Uncertain Significance.

Ambry Genetics
Classification: Uncertain significance for Hereditary cancer-predisposing syndrome. Last evaluated: 2023-04-28. Review status: criteria provided, single submitter. Criteria: Ambry Variant Classification Scheme 2023. Collection method: clinical testing. Allele origin: germline.
Comment: The p.R277G variant (also known as c.829A>G), located in coding exon 1 of the MET gene, results from an A to G substitution at nucleotide position 829. The arginine at codon 277 is replaced by glycine, an amino acid with dissimilar properties. This amino acid position is conserved. In addition, the in silico prediction for this alteration is inconclusive. Since supporting evidence is limited at this time, the clinical significance of this alteration remains unclear.

NM_000245.4(MET):c.829A>G (p.Arg277Gly)

Gene: MET (MET proto-oncogene, receptor tyrosine kinase; plus strand). Cytogenetic location: 7q31.2.
Variant type: single nucleotide variant.
Coding change: c.829A>G on transcript NM_000245.4 (MANE Select); coding-DNA position 829, A replaced by G.
Protein change: p.Arg277Gly; replaces arginine 277 with glycine.
Molecular consequence: missense variant. On other transcripts: intron variant (1).
Genome position (GRCh38, 1-based): chr7:116,699,913, A>G. VCF-style: chr7-116699913-A-G. GRCh37 (hg19) VCF-style: chr7-116339967-A-G.
Other names: c.829A>G, p.Arg277Gly (NM_001127500.3, NM_001324401.3); c.-91+27336A>G (NM_001324402.2); short protein forms R277G.
Identifiers: ClinVar variation 2567693 (VCV002567693.4), dbSNP rs2116599034, ClinGen allele CA368969939.